The following is an entry in ClinVar:

ClinVar aggregate classification (germline): Conflicting classifications of pathogenicity. Review status: criteria provided, conflicting classifications (1 of 4 stars). 3 submissions from 3 submitters: Uncertain significance (2); Likely benign (1). Last evaluated 2025-08-23.

Conditions:
Inborn genetic diseases. Identifiers: MedGen C0950123, MeSH D030342.

Allele frequency attached by ClinVar (database versions not stated): ExAC 0.00001.
gnomAD v4.1: 6 of 1,614,000 alleles (0.00037%); highest among the groups gnomAD compares: Admixed American, 0.0033%; no homozygotes.

Submissions (3):

Ambry Genetics
Classification: Uncertain significance for Inborn genetic diseases. Last evaluated: 2025-08-23. Review status: criteria provided, single submitter. Criteria: Ambry Variant Classification Scheme 2023. Collection method: clinical testing. Allele origin: germline.

Labcorp Genetics (formerly Invitae), Labcorp
Classification: Likely benign. Last evaluated: 2025-06-12. Review status: criteria provided, single submitter. Criteria: Invitae Variant Classification Sherloc (09022015). Collection method: clinical testing. Allele origin: germline.

GeneDx
Classification: Uncertain significance. Last evaluated: 2025-05-01. Review status: criteria provided, single submitter. Criteria: GeneDx Variant Classification Process June 2021. Collection method: clinical testing. Allele origin: germline.
Comment: Not observed at significant frequency in large population cohorts (gnomAD); In silico analysis indicates that this missense variant does not alter protein structure/function; Has not been previously published as pathogenic or benign to our knowledge

NM_002473.6(MYH9):c.1746C>G (p.Asp582Glu)

Gene: MYH9 (myosin heavy chain 9; minus strand). Cytogenetic location: 22q12.3.
Variant type: single nucleotide variant.
Coding change: c.1746C>G on transcript NM_002473.6 (MANE Select); coding-DNA position 1746, C replaced by G.
Protein change: p.Asp582Glu; replaces aspartic acid 582 with glutamic acid.
Molecular consequence: missense variant.
Genome position (GRCh38, 1-based): chr22:36,309,379, G>C on the plus strand (C>G on the coding strand, the complement: MYH9 is on the minus strand). VCF-style: chr22-36309379-G-C. GRCh37 (hg19) VCF-style: chr22-36705424-G-C.
Other names: c.1746C>G (NM_002473.4); short protein forms D582E.
Identifiers: ClinVar variation 2714825 (VCV002714825.6), dbSNP rs781414941, ClinGen allele CA10210204.